The following is an entry in ClinVar:

NM_001271803.2(REEP2):c.424G>C (p.Gly142Arg)

Gene: REEP2 (receptor accessory protein 2; plus strand). Cytogenetic location: 5q31.2.
Variant type: single nucleotide variant.
Coding change: c.424G>C on transcript NM_001271803.2 (MANE Select); coding-DNA position 424, G replaced by C.
Protein change: p.Gly142Arg; replaces glycine 142 with arginine.
Molecular consequence: missense variant. On other transcripts: non-coding transcript variant (2).
Genome position (GRCh38, 1-based): chr5:138,445,234, G>C. VCF-style: chr5-138445234-G-C. GRCh37 (hg19) VCF-style: chr5-137780923-G-C.
Other names: c.418G>C, p.Gly140Arg (NM_016606.4); short protein forms G140R, G142R.
Identifiers: ClinVar variation 2914509 (VCV002914509.3), dbSNP rs139900733, ClinGen allele CA3429822.

ClinVar aggregate classification (germline): Uncertain significance (1 of 4 stars; one submission).

Conditions:
Hereditary spastic paraplegia 72 (SPG72A). Also called: Spastic paraplegia 72, autosomal recessive. Identifiers: Orphanet 401849, MedGen C5882669, MONDO:0014282, OMIM 615625.

Allele frequency attached by ClinVar (database versions not stated): gnomAD 0.00001; ESP Exome Variant Server 0.00008; TOPMed below 0.00001; ExAC 0.00001; gnomAD exomes below 0.00001.
gnomAD v4.1: 7 of 1,606,544 alleles (0.00044%); highest among the groups gnomAD compares: African/African-American, 0.0027%; no homozygotes.

Submission:

Labcorp Genetics (formerly Invitae), Labcorp
Classification: Uncertain significance for Hereditary spastic paraplegia 72. Last evaluated: 2023-11-30. Review status: criteria provided, single submitter. Criteria: Invitae Variant Classification Sherloc (09022015). Collection method: clinical testing. Allele origin: germline.
Comment: This sequence change replaces glycine, which is neutral and non-polar, with arginine, which is basic and polar, at codon 142 of the REEP2 protein (p.Gly142Arg). This variant is present in population databases (rs139900733, gnomAD 0.007%). This variant has not been reported in the literature in individuals affected with REEP2-related conditions. An algorithm developed to predict the effect of missense changes on protein structure and function (PolyPhen-2) suggests that this variant is likely to be disruptive. In summary, the available evidence is currently insufficient to determine the role of this variant in disease. Therefore, it has been classified as a Variant of Uncertain Significance.